The following is an entry in ClinVar:

NM_020631.6(PLEKHG5):c.1801A>G (p.Met601Val)

Gene: PLEKHG5 (pleckstrin homology and RhoGEF domain containing G5; minus strand). Cytogenetic location: 1p36.31.
Variant type: single nucleotide variant.
Coding change: c.1801A>G on transcript NM_020631.6 (MANE Select); coding-DNA position 1801, A replaced by G.
Protein change: p.Met601Val; replaces methionine 601 with valine.
Molecular consequence: missense variant.
Genome position (GRCh38, 1-based): chr1:6,469,676, T>C on the plus strand (A>G on the coding strand, the complement: PLEKHG5 is on the minus strand). VCF-style: chr1-6469676-T-C. GRCh37 (hg19) VCF-style: chr1-6529736-T-C.
Other names: c.1912A>G, p.Met638Val (NM_001042663.3, NM_001265592.2); c.1801A>G, p.Met601Val (NM_001042664.2, NM_001042665.2, NM_001265594.3 and 1 more transcripts); c.2008A>G, p.Met670Val (NM_001265593.2); short protein forms M670V, M638V, M601V.
Identifiers: ClinVar variation 1402466 (VCV001402466.8), dbSNP rs1156760922, ClinGen allele CA338122657.
Genomic context (GRCh38, chr1:6,469,676, plus strand): 5'-CCTTCTTCACTGCTTTGGTCACCAACAGCAGATCCGTGAAGAGGAAGCAGTACACATCCA[T>C]CTGCAGTGGCAGGAGGGGGGGTGGCCAGAGAGGCCAGCAGGGTCAGGGCCAGGGACTGTG-3'
Protein context (NP_065682.2, residues 591-611): LRMKEGKDSK[Met601Val]DVYCFLFTDL

ClinVar aggregate classification (germline): Uncertain significance (1 of 4 stars; one submission).

Conditions:
Neuronopathy, distal hereditary motor, autosomal recessive 4. Also called: NEUROPATHY, DISTAL HEREDITARY MOTOR, AUTOSOMAL RECESSIVE 4; Autosomal recessive lower motor neuron disease with childhood onset. Identifiers: Orphanet 206580, MedGen C1970211, MONDO:0012608, OMIM 611067.
Charcot-Marie-Tooth disease recessive intermediate C. Also called: CHARCOT-MARIE-TOOTH NEUROPATHY, RECESSIVE INTERMEDIATE C. Identifiers: Orphanet 369867, MedGen C3809309, MONDO:0014154, OMIM 615376.

Allele frequency attached by ClinVar (database versions not stated): gnomAD exomes below 0.00001.
gnomAD v4.1: 1 of 1,612,366 alleles (0.000062%); highest among the groups gnomAD compares: Admixed American, 0.0017%; no homozygotes.

Submission:

Labcorp Genetics (formerly Invitae), Labcorp
Classification: Uncertain significance for Neuronopathy, distal hereditary motor, autosomal recessive 4; Charcot-Marie-Tooth disease recessive intermediate C. Last evaluated: 2022-10-18. Review status: criteria provided, single submitter. Criteria: Invitae Variant Classification Sherloc (09022015). Collection method: clinical testing. Allele origin: germline.
Comment: This sequence change replaces methionine, which is neutral and non-polar, with valine, which is neutral and non-polar, at codon 601 of the PLEKHG5 protein (p.Met601Val). This variant is present in population databases (no rsID available, gnomAD 0.003%). This variant has not been reported in the literature in individuals affected with PLEKHG5-related conditions. ClinVar contains an entry for this variant (Variation ID: 1402466). Algorithms developed to predict the effect of missense changes on protein structure and function (SIFT, PolyPhen-2, Align-GVGD) all suggest that this variant is likely to be tolerated. Algorithms developed to predict the effect of sequence changes on RNA splicing suggest that this variant may disrupt the consensus splice site. In summary, the available evidence is currently insufficient to determine the role of this variant in disease. Therefore, it has been classified as a Variant of Uncertain Significance.